The following is an entry in ClinVar:

ClinVar aggregate classification (germline): Conflicting classifications of pathogenicity. Review status: criteria provided, conflicting classifications (1 of 4 stars). 3 submissions from 3 submitters: Uncertain significance (2); Likely benign (1). Last evaluated 2025-11-05.

Conditions:
CSF1R-related disorder. Also called: CSF1R-related condition. Identifiers: MedGen CN379780, MONDO:0100632.
Inborn genetic diseases. Identifiers: MedGen C0950123, MeSH D030342.

Allele frequency attached by ClinVar (database versions not stated): gnomAD exomes 0.00001 and 0.00006; gnomAD 0.00002 and 0.00003; TOPMed 0.00002; ExAC 0.00006.
gnomAD v4.1: 27 of 1,614,072 alleles (0.0017%); highest among the groups gnomAD compares: East Asian, 0.053%; no homozygotes.

Submissions (3):

Labcorp Genetics (formerly Invitae), Labcorp
Classification: Likely benign. Last evaluated: 2025-11-05. Review status: criteria provided, single submitter. Criteria: Invitae Variant Classification Sherloc (09022015). Collection method: clinical testing. Allele origin: germline.

PreventionGenetics, part of Exact Sciences
Classification: Uncertain significance for CSF1R-related condition. Last evaluated: 2025-06-30. Review status: criteria provided, single submitter. Criteria: ACMG Guidelines, 2015. Collection method: clinical testing. Allele origin: germline.
Comment: The CSF1R c.2240G>T variant is predicted to result in the amino acid substitution p.Gly747Val. To our knowledge, this variant has not been reported in the literature. This variant is reported in 0.076% of alleles in individuals of East Asian descent in gnomAD. Although we suspect that this variant may be benign, at this time, the clinical significance of this variant is uncertain due to the absence of conclusive functional and genetic evidence.

Ambry Genetics
Classification: Uncertain significance for Inborn genetic diseases. Last evaluated: 2024-01-17. Review status: criteria provided, single submitter. Criteria: Ambry Variant Classification Scheme 2023. Collection method: clinical testing. Allele origin: germline.

NM_001288705.3(CSF1R):c.2240G>T (p.Gly747Val)

Gene: CSF1R (colony stimulating factor 1 receptor; minus strand). Cytogenetic location: 5q32.
Variant type: single nucleotide variant.
Coding change: c.2240G>T on transcript NM_001288705.3 (MANE Select); coding-DNA position 2240, G replaced by T.
Protein change: p.Gly747Val; replaces glycine 747 with valine.
Molecular consequence: missense variant. On other transcripts: non-coding transcript variant (2).
Genome position (GRCh38, 1-based): chr5:150,057,366, C>A on the plus strand (G>T on the coding strand, the complement: CSF1R is on the minus strand). VCF-style: chr5-150057366-C-A. GRCh37 (hg19) VCF-style: chr5-149436929-C-A.
Other names: c.2240G>T, p.Gly747Val (NM_001349736.2, NM_001375320.1, NM_005211.4); c.1796G>T, p.Gly599Val (NM_001375321.1); short protein forms G747V, G599V.
Identifiers: ClinVar variation 798863 (VCV000798863.7), dbSNP rs748228488, ClinGen allele CA3506491.